The following is an entry in ClinVar:

ClinVar aggregate classification (germline): Uncertain significance. Review status: criteria provided, multiple submitters, no conflicts (2 of 4 stars). 2 submissions from 2 submitters: Uncertain significance (2). Last evaluated 2024-01-07.

Conditions:
Inborn genetic diseases. Identifiers: MedGen C0950123, MeSH D030342.

gnomAD v4.1: 1 of 1,613,694 alleles (0.000062%); highest among the groups gnomAD compares: Non-Finnish European, 0.000085%; no homozygotes.

Submissions (2):

Labcorp Genetics (formerly Invitae), Labcorp
Classification: Uncertain significance. Last evaluated: 2024-01-07. Review status: criteria provided, single submitter. Criteria: Invitae Variant Classification Sherloc (09022015). Collection method: clinical testing. Allele origin: germline.
Comment: This sequence change replaces leucine, which is neutral and non-polar, with valine, which is neutral and non-polar, at codon 732 of the MYO5B protein (p.Leu732Val). This variant is present in population databases (no rsID available, gnomAD 0.007%). This variant has not been reported in the literature in individuals affected with MYO5B-related conditions. ClinVar contains an entry for this variant (Variation ID: 2477200). Advanced modeling of protein sequence and biophysical properties (such as structural, functional, and spatial information, amino acid conservation, physicochemical variation, residue mobility, and thermodynamic stability) performed at Invitae indicates that this missense variant is not expected to disrupt MYO5B protein function with a negative predictive value of 80%. In summary, the available evidence is currently insufficient to determine the role of this variant in disease. Therefore, it has been classified as a Variant of Uncertain Significance.

Ambry Genetics
Classification: Uncertain significance for Inborn genetic diseases. Last evaluated: 2023-01-23. Review status: criteria provided, single submitter. Criteria: Ambry Variant Classification Scheme 2023. Collection method: clinical testing. Allele origin: germline.

NM_001080467.3(MYO5B):c.2194C>G (p.Leu732Val)

Gene: MYO5B (myosin VB; minus strand). Cytogenetic location: 18q21.1.
Variant type: single nucleotide variant.
Coding change: c.2194C>G on transcript NM_001080467.3 (MANE Select); coding-DNA position 2194, C replaced by G.
Protein change: p.Leu732Val; replaces leucine 732 with valine.
Molecular consequence: missense variant.
Genome position (GRCh38, 1-based): chr18:49,912,070, G>C on the plus strand (C>G on the coding strand, the complement: MYO5B is on the minus strand). VCF-style: chr18-49912070-G-C. GRCh37 (hg19) VCF-style: chr18-47438440-G-C.
Other names: short protein forms L732V.
Identifiers: ClinVar variation 2477200 (VCV002477200.5), dbSNP rs1283937972, ClinGen allele CA402438859.